The following is an entry in ClinVar:

ClinVar aggregate classification (germline): Likely pathogenic (1 of 4 stars; one submission).

Conditions:
Developmental and epileptic encephalopathy 94 (DEE94). Also called: CHD2-Related Neurodevelopmental Disorders; Epileptic encephalopathy, childhood-onset. Identifiers: Orphanet 1942, Orphanet 2382, MedGen C3809278, MONDO:0014150, OMIM 615369.

Submission:

Labcorp Genetics (formerly Invitae), Labcorp
Classification: Likely pathogenic for Developmental and epileptic encephalopathy 94. Last evaluated: 2023-10-03. Review status: criteria provided, single submitter. Criteria: Invitae Variant Classification Sherloc (09022015). Collection method: clinical testing. Allele origin: germline.
Comment: This sequence change affects a donor splice site in intron 32 of the CHD2 gene. It is expected to disrupt RNA splicing. Variants that disrupt the donor or acceptor splice site typically lead to a loss of protein function (PMID: 16199547), and loss-of-function variants in CHD2 are known to be pathogenic (PMID: 23708187, 24207121). This variant is not present in population databases (gnomAD no frequency). This variant has not been reported in the literature in individuals affected with CHD2-related conditions. Algorithms developed to predict the effect of sequence changes on RNA splicing suggest that this variant may disrupt the consensus splice site. In summary, the currently available evidence indicates that the variant is pathogenic, but additional data are needed to prove that conclusively. Therefore, this variant has been classified as Likely Pathogenic.

Literature cited by the submitters: PubMed 16199547; PubMed 23708187; PubMed 24207121.

NM_001271.4(CHD2):c.4137+2T>C

Gene: CHD2 (chromodomain helicase DNA binding protein 2; plus strand). Cytogenetic location: 15q26.1.
Variant type: single nucleotide variant.
Coding change: c.4137+2T>C on transcript NM_001271.4 (MANE Select); the canonical splice donor site of the intron after coding-DNA position 4137, T replaced by C.
Molecular consequence: splice donor variant.
Genome position (GRCh38, 1-based): chr15:93,000,642, T>C. VCF-style: chr15-93000642-T-C. GRCh37 (hg19) VCF-style: chr15-93543872-T-C.
Identifiers: ClinVar variation 2716363 (VCV002716363.3), dbSNP rs2505599524, ClinGen allele CA393900578.